The following is an entry in ClinVar:

NM_001042492.3(NF1):c.4574dup (p.Asn1525fs)

Gene: NF1 (neurofibromin 1; plus strand). Cytogenetic location: 17q11.2.
Variant type: Duplication.
Coding change: c.4574dup on transcript NM_001042492.3 (MANE Select); coding-DNA position 4574, one base duplicated (A; older notation c.4574dupA).
Protein change: p.Asn1525fs; shifts the reading frame from asparagine 1525.
Molecular consequence: frameshift variant.
Genome position (GRCh38, 1-based): chr17:31,260,512, A duplicated; the last of 2 consecutive A bases (chr17:31,260,511-31,260,512); duplicating either gives the same sequence. VCF-style (leftmost placement, unchanged base first): chr17-31260510-C-CA. GRCh37 (hg19) VCF-style: chr17-29587528-C-CA.
Other names: c.4511dupA (NM_000267.3); c.4511dup, p.Asn1504Lysfs (NM_000267.4); short protein forms N1525fs, N1504fs.
Identifiers: ClinVar variation 404564 (VCV000404564.5), dbSNP rs1555618862, ClinGen allele CA16615232.

ClinVar aggregate classification (germline): Pathogenic (1 of 4 stars; one submission).

Conditions:
Neurofibromatosis, type 1 (NF1). Also called: Neurofibromatosis, type I; NEUROFIBROMATOSIS, TYPE I, SOMATIC; Peripheral type neurofibromatosis; VON RECKLINGHAUSEN DISEASE. Identifiers: Orphanet 636, MedGen C0027831, MONDO:0018975, OMIM 162200. Disease mechanism: loss of function.

Submission:

Labcorp Genetics (formerly Invitae), Labcorp
Classification: Pathogenic for Neurofibromatosis, type 1. Last evaluated: 2016-11-01. Review status: criteria provided, single submitter. Criteria: Invitae Variant Classification Sherloc (09022015). Collection method: clinical testing. Allele origin: germline.
Comment: For these reasons, this variant has been classified as Pathogenic. While this particular variant has not been reported in the literature, loss-of-function variants in NF1 are known to be pathogenic (PMID: 10712197, 23913538). This sequence change inserts 1 nucleotide in exon 33 of the NF1 mRNA (c.4511dupA), causing a frameshift at codon 1504. This creates a premature translational stop signal (p.Asn1504Lysfs*5) and is expected to result in an absent or disrupted protein product.

Literature cited by the submitters: PubMed 10712197; PubMed 23913538.